The following is an entry in ClinVar:

ClinVar aggregate classification (germline): Uncertain significance (0 of 4 stars; one submission).

Conditions:
USP9X-related disorder. Also called: USP9X-related condition.

Submission:

PreventionGenetics, part of Exact Sciences
Classification: Uncertain significance for USP9X-related condition. Last evaluated: 2024-09-26. Review status: no assertion criteria provided. Collection method: clinical testing. Allele origin: germline.
Comment: The USP9X c.4180C>G variant is predicted to result in the amino acid substitution p.Pro1394Ala. To our knowledge, this variant has not been reported in the literature or in a large population database, indicating this variant is rare. At this time, the clinical significance of this variant is uncertain due to the absence of conclusive functional and genetic evidence.

NM_001039591.3(USP9X):c.4180C>G (p.Pro1394Ala)

Gene: USP9X (ubiquitin specific peptidase 9 X-linked; plus strand). Cytogenetic location: Xp11.4.
Variant type: single nucleotide variant.
Coding change: c.4180C>G on transcript NM_001039591.3 (MANE Select); coding-DNA position 4180, C replaced by G.
Protein change: p.Pro1394Ala; replaces proline 1394 with alanine.
Molecular consequence: missense variant.
Genome position (GRCh38, 1-based): chrX:41,196,685, C>G. VCF-style: chrX-41196685-C-G. GRCh37 (hg19) VCF-style: chrX-41055938-C-G.
Other names: c.4180C>G, p.Pro1394Ala (NM_001039590.3); c.4195C>G, p.Pro1399Ala (NM_001410748.1, NM_001410749.1); short protein forms P1394A, P1399A.
Identifiers: ClinVar variation 3344435 (VCV003344435.1).
Genomic context (GRCh38, chrX:41,196,685, plus strand): 5'-GACTACTTTACTCTTTTAAGACACCTTCTTAATTACGCTTACAATAGTAATATTAATGTA[C>G]CCAATGCTGAAGTTCTTCTCAATAATGAAATTGATTGGCTTAAAAGAATTAGGGTAAGTT-3'
Protein context (NP_001034680.2, residues 1384-1404): NYAYNSNINV[Pro1394Ala]NAEVLLNNEI